The following is an entry in ClinVar:

NM_001130009.3(GEN1):c.771A>T (p.Lys257Asn)

Gene: GEN1 (GEN1 Holliday junction 5' flap endonuclease; plus strand). Cytogenetic location: 2p24.2.
Variant type: single nucleotide variant.
Coding change: c.771A>T on transcript NM_001130009.3 (MANE Select); coding-DNA position 771, A replaced by T.
Protein change: p.Lys257Asn; replaces lysine 257 with asparagine.
Molecular consequence: missense variant.
Genome position (GRCh38, 1-based): chr2:17,771,256, A>T. VCF-style: chr2-17771256-A-T. GRCh37 (hg19) VCF-style: chr2-17952523-A-T.
Other names: c.771A>T, p.Lys257Asn (NM_182625.5); short protein forms K257N.
Identifiers: ClinVar variation 3853449 (VCV003853449.1).

ClinVar aggregate classification (germline): Uncertain significance (1 of 4 stars; one submission).

Submission:

Ambry Genetics
Classification: Uncertain significance. Last evaluated: 2024-12-21. Review status: criteria provided, single submitter. Criteria: Ambry Variant Classification Scheme 2023. Collection method: clinical testing. Allele origin: germline.
Comment: The p.K257N variant (also known as c.771A>T), located in coding exon 6 of the GEN1 gene, results from an A to T substitution at nucleotide position 771. The lysine at codon 257 is replaced by asparagine, an amino acid with similar properties. This amino acid position is conserved. In addition, this alteration is predicted to be tolerated by in silico analysis. Based on the available evidence, the clinical significance of this variant remains unclear.